The following is an entry in ClinVar:

ClinVar aggregate classification (germline): Uncertain significance (1 of 4 stars; one submission).

Submission:

Labcorp Genetics (formerly Invitae), Labcorp
Classification: Uncertain significance. Last evaluated: 2025-05-11. Review status: criteria provided, single submitter. Criteria: Invitae Variant Classification Sherloc (09022015). Collection method: clinical testing. Allele origin: germline.
Comment: This sequence change replaces aspartic acid, which is acidic and polar, with glycine, which is neutral and non-polar, at codon 793 of the LEMD3 protein (p.Asp793Gly). This variant is not present in population databases (gnomAD no frequency). This variant has not been reported in the literature in individuals affected with LEMD3-related conditions. Invitae Evidence Modeling of protein sequence and biophysical properties (such as structural, functional, and spatial information, amino acid conservation, physicochemical variation, residue mobility, and thermodynamic stability) indicates that this missense variant is expected to disrupt LEMD3 protein function with a positive predictive value of 80%. In summary, the available evidence is currently insufficient to determine the role of this variant in disease. Therefore, it has been classified as a Variant of Uncertain Significance.

NM_014319.5(LEMD3):c.2378A>G (p.Asp793Gly)

Gene: LEMD3 (LEM domain containing 3; plus strand). Cytogenetic location: 12q14.3.
Variant type: single nucleotide variant.
Coding change: c.2378A>G on transcript NM_014319.5 (MANE Select); coding-DNA position 2378, A replaced by G.
Protein change: p.Asp793Gly; replaces aspartic acid 793 with glycine.
Molecular consequence: missense variant.
Genome position (GRCh38, 1-based): chr12:65,243,460, A>G. VCF-style: chr12-65243460-A-G. GRCh37 (hg19) VCF-style: chr12-65637240-A-G.
Other names: c.2375A>G, p.Asp792Gly (NM_001167614.2); short protein forms D793G, D792G.
Identifiers: ClinVar variation 4746409 (VCV004746409.1).